The following is an entry in ClinVar:

NM_001374385.1(ATP8B1):c.1417G>A (p.Gly473Arg)

Gene: ATP8B1 (ATPase phospholipid transporting 8B1; minus strand). Cytogenetic location: 18q21.31.
Variant type: single nucleotide variant.
Coding change: c.1417G>A on transcript NM_001374385.1 (MANE Select); coding-DNA position 1417, G replaced by A.
Protein change: p.Gly473Arg; replaces glycine 473 with arginine.
Molecular consequence: missense variant.
Genome position (GRCh38, 1-based): chr18:57,688,311, C>T on the plus strand (G>A on the coding strand, the complement: ATP8B1 is on the minus strand). VCF-style: chr18-57688311-C-T. GRCh37 (hg19) VCF-style: chr18-55355543-C-T.
Other names: c.1267G>A, p.Gly423Arg (NM_001374386.1); c.1417G>A, p.Gly473Arg (NM_005603.6); short protein forms G423R, G473R.
Identifiers: ClinVar variation 4846126 (VCV004846126.1).

ClinVar aggregate classification (germline): Uncertain significance (1 of 4 stars; one submission).

Conditions:
Familial intrahepatic cholestasis. Identifiers: Orphanet 284385, MedGen CN296401, MONDO:0017290.

Submission:

Genomenon, Inc
Classification: Uncertain significance for Familial intrahepatic cholestasis. Last evaluated: 2026-04-14. Review status: criteria provided, single submitter. Criteria: Genomenon Sequence Variant Interpretation Standards - Updated. Collection method: curation. Allele origin: germline. Affected: no.
Comment: ATP8B1 p.Gly473Arg (c.1417G>A) is a missense variant that changes the amino acid at residue 473 from Glycine to Arginine. This variant has been reported in the published literature (PMID:32942997). It is absent or not present at a significant frequency in gnomAD. In silico models predict that this variant is possibly or probably damaging. In conclusion, we classify ATP8B1 p.Gly473Arg (c.1417G>A) as a variant of uncertain significance.

Literature cited by the submitters: PubMed 32942997.